The following is an entry in ClinVar:

ClinVar aggregate classification (germline): Uncertain significance (1 of 4 stars; one submission).

Allele frequency attached by ClinVar (database versions not stated): gnomAD exomes 0.00002.
gnomAD v4.1: 23 of 1,613,310 alleles (0.0014%); highest among the groups gnomAD compares: Non-Finnish European, 0.0019%; no homozygotes.

Submission:

Labcorp Genetics (formerly Invitae), Labcorp
Classification: Uncertain significance. Last evaluated: 2022-06-15. Review status: criteria provided, single submitter. Criteria: Invitae Variant Classification Sherloc (09022015). Collection method: clinical testing. Allele origin: germline.
Comment: This sequence change replaces valine, which is neutral and non-polar, with alanine, which is neutral and non-polar, at codon 219 of the DLL3 protein (p.Val219Ala). This variant is not present in population databases (gnomAD no frequency). This variant has not been reported in the literature in individuals affected with DLL3-related conditions. Algorithms developed to predict the effect of missense changes on protein structure and function output the following: SIFT: "Tolerated"; PolyPhen-2: "Benign"; Align-GVGD: "Class C0". The alanine amino acid residue is found in multiple mammalian species, which suggests that this missense change does not adversely affect protein function. In summary, the available evidence is currently insufficient to determine the role of this variant in disease. Therefore, it has been classified as a Variant of Uncertain Significance.

NM_203486.3(DLL3):c.656T>C (p.Val219Ala)

Gene: DLL3 (delta like canonical Notch ligand 3; plus strand). Cytogenetic location: 19q13.2.
Variant type: single nucleotide variant.
Coding change: c.656T>C on transcript NM_203486.3 (MANE Select); coding-DNA position 656, T replaced by C.
Protein change: p.Val219Ala; replaces valine 219 with alanine.
Molecular consequence: missense variant.
Genome position (GRCh38, 1-based): chr19:39,504,074, T>C. VCF-style: chr19-39504074-T-C. GRCh37 (hg19) VCF-style: chr19-39994714-T-C.
Other names: c.656T>C, p.Val219Ala (NM_016941.4); short protein forms V219A.
Identifiers: ClinVar variation 2198086 (VCV002198086.1), dbSNP rs2514645359, ClinGen allele CA405796846.
Genomic context (GRCh38, chr19:39,504,074, plus strand): 5'-CCCTGGCCCTCCCCGACGTTGGTGTTCCCTTTCTCTCTGCCTCTCTGTCCCCCATAGTGG[T>C]GTGCCGAGCAGGCTGCAGCCCTGAGCATGGCTTCTGTGAACAGCCCGGTGAATGCCGATG-3'
Protein context (NP_982353.1, residues 209-229): PLEDECEAPL[Val219Ala]CRAGCSPEHG